The following is an entry in ClinVar:

NM_001040108.2(MLH3):c.3803C>A (p.Thr1268Lys)

Gene: MLH3 (mutL homolog 3; minus strand). Cytogenetic location: 14q24.3.
Variant type: single nucleotide variant.
Coding change: c.3803C>A on transcript NM_001040108.2 (MANE Select); coding-DNA position 3803, C replaced by A.
Protein change: p.Thr1268Lys; replaces threonine 1268 with lysine.
Molecular consequence: missense variant.
Genome position (GRCh38, 1-based): chr14:75,032,092, G>T on the plus strand (C>A on the coding strand, the complement: MLH3 is on the minus strand). VCF-style: chr14-75032092-G-T. GRCh37 (hg19) VCF-style: chr14-75498795-G-T.
Other names: c.3731C>A, p.Thr1244Lys (NM_014381.3); short protein forms T1244K, T1268K.
Identifiers: ClinVar variation 1735086 (VCV001735086.6), dbSNP rs1891085706, ClinGen allele CA390424770.

ClinVar aggregate classification (germline): Uncertain significance. Review status: criteria provided, multiple submitters, no conflicts (2 of 4 stars). 2 submissions from 2 submitters: Uncertain significance (2). Last evaluated 2025-09-04.

Conditions:
Colorectal cancer, hereditary nonpolyposis, type 7. Identifiers: Orphanet 144, MedGen C1858380, MONDO:0013725, OMIM 614385.

Submissions (2):

Ambry Genetics
Classification: Uncertain significance. Last evaluated: 2025-09-04. Review status: criteria provided, single submitter. Criteria: Ambry Variant Classification Scheme 2023. Collection method: clinical testing. Allele origin: germline.
Comment: The p.T1268K variant (also known as c.3803C>A), located in coding exon 7 of the MLH3 gene, results from a C to A substitution at nucleotide position 3803. The threonine at codon 1268 is replaced by lysine, an amino acid with similar properties. This amino acid position is conserved. In addition, the in silico prediction for this alteration is inconclusive. Since supporting evidence is limited at this time, the clinical significance of this alteration remains unclear.

Labcorp Genetics (formerly Invitae), Labcorp
Classification: Uncertain significance for Colorectal cancer, hereditary nonpolyposis, type 7. Last evaluated: 2022-11-15. Review status: criteria provided, single submitter. Criteria: Invitae Variant Classification Sherloc (09022015). Collection method: clinical testing. Allele origin: germline.
Comment: In summary, the available evidence is currently insufficient to determine the role of this variant in disease. Therefore, it has been classified as a Variant of Uncertain Significance. Algorithms developed to predict the effect of missense changes on protein structure and function are either unavailable or do not agree on the potential impact of this missense change (SIFT: "Deleterious"; PolyPhen-2: "Probably Damaging"; Align-GVGD: "Class C0"). This variant has not been reported in the literature in individuals affected with MLH3-related conditions. This variant is not present in population databases (gnomAD no frequency). This sequence change replaces threonine, which is neutral and polar, with lysine, which is basic and polar, at codon 1268 of the MLH3 protein (p.Thr1268Lys).